The following is an entry in ClinVar:

ClinVar aggregate classification (germline): Uncertain significance (1 of 4 stars; one submission).

gnomAD v4.1: 5 of 1,613,572 alleles (0.00031%); highest among the groups gnomAD compares: Admixed American, 0.0083%; no homozygotes.

Submission:

Mayo Clinic Laboratories, Mayo Clinic
Classification: Uncertain significance. Last evaluated: 2025-08-18. Review status: criteria provided, single submitter. Criteria: ACMG Guidelines, 2015. Collection method: clinical testing. Allele origin: germline. Observed: 1 variant allele.
Comment: PP3, PM2_supporting

NM_003366.4(UQCRC2):c.950C>G (p.Thr317Ser)

Genes: PDZD9 (PDZ domain containing 9), UQCRC2 (ubiquinol-cytochrome c reductase core protein 2). Cytogenetic location: 16p12.2.
Variant type: single nucleotide variant.
Coding change: c.950C>G on transcript NM_003366.4 (MANE Select); coding-DNA position 950, C replaced by G.
Protein change: p.Thr317Ser; replaces threonine 317 with serine.
Molecular consequence: missense variant.
Genome position (GRCh38, 1-based): chr16:21,972,106, C>G. VCF-style: chr16-21972106-C-G. GRCh37 (hg19) VCF-style: chr16-21983427-C-G.
Other names: p.Thr317Ser; short protein forms T317S.
Identifiers: ClinVar variation 4542016 (VCV004542016.1).